The following is an entry in ClinVar:

ClinVar aggregate classification (germline): Likely benign (1 of 4 stars; one submission).

gnomAD v4.1: 2 of 1,610,850 alleles (0.00012%); highest among the groups gnomAD compares: Non-Finnish European, 0.00017%; no homozygotes.

Submission:

CeGaT Center for Human Genetics Tuebingen
Classification: Likely benign. Last evaluated: 2025-12-01. Review status: criteria provided, single submitter. Criteria: CeGaT Center For Human Genetics Tuebingen Variant Classification Criteria Version 2. Collection method: clinical testing. Allele origin: germline. Affected: yes. Observed: 1 variant allele.
Comment: GLI1: BP4, BP7

NM_005269.3(GLI1):c.2736T>C (p.Gly912=)

Gene: GLI1 (GLI family zinc finger 1; plus strand). Cytogenetic location: 12q13.3.
Variant type: single nucleotide variant.
Coding change: c.2736T>C on transcript NM_005269.3 (MANE Select); coding-DNA position 2736, T replaced by C.
Protein change: p.Gly912=; no amino-acid change (glycine 912 retained).
Molecular consequence: synonymous variant.
Genome position (GRCh38, 1-based): chr12:57,471,476, T>C. VCF-style: chr12-57471476-T-C. GRCh37 (hg19) VCF-style: chr12-57865259-T-C.
Other names: c.2352T>C, p.Gly784= (NM_001160045.2); c.2613T>C, p.Gly871= (NM_001167609.2).
Identifiers: ClinVar variation 4681517 (VCV004681517.5).